The following is an entry in ClinVar:

ClinVar aggregate classification (germline): Likely benign. Review status: criteria provided, multiple submitters, no conflicts (2 of 4 stars). 3 submissions from 3 submitters: Likely benign (2). 1 of the submissions does not count toward it. Last evaluated 2024-03-14.

Conditions:
Wilson disease (WND). Also called: Wilson's disease. Identifiers: Orphanet 905, MedGen C0019202, MONDO:0010200, OMIM 277900. Disease mechanism: loss of function.

Allele frequency attached by ClinVar (database versions not stated): gnomAD exomes 0.00002 and 0.00004; ExAC 0.00004.
gnomAD v4.1: 32 of 1,614,196 alleles (0.002%); highest among the groups gnomAD compares: South Asian, 0.021%; no homozygotes.

Submissions (3):

All of Us Research Program, National Institutes of Health
Classification: Likely benign for Wilson disease. Last evaluated: 2024-03-14. Review status: criteria provided, single submitter. Criteria: ACMG Guidelines, 2015. Collection method: clinical testing. Allele origin: germline. Inheritance: Autosomal recessive inheritance. Observed: 1 variant allele, 1 heterozygote.
Comment: This study involves interpretation of variants in research participants for the purpose of population health screening. Participant phenotype was not available at the time of variant classification. Additional details can be found in publication PMID: 35346344, PMCID: PMC8962531

Labcorp Genetics (formerly Invitae), Labcorp
Classification: Likely benign for Wilson disease. Last evaluated: 2024-03-13. Review status: criteria provided, single submitter. Criteria: Invitae Variant Classification Sherloc (09022015). Collection method: clinical testing. Allele origin: germline.

Natera, Inc.
Classification: Uncertain significance for Wilson disease. Last evaluated: 2020-04-15. Review status: no assertion criteria provided. Collection method: clinical testing. Allele origin: germline. Not counted in ClinVar's aggregate classification.

NM_000053.4(ATP7B):c.1605G>A (p.Glu535=)

Gene: ATP7B (ATPase copper transporting beta; minus strand). Cytogenetic location: 13q14.3.
Variant type: single nucleotide variant.
Coding change: c.1605G>A on transcript NM_000053.4 (MANE Select); coding-DNA position 1605, G replaced by A.
Protein change: p.Glu535=; no amino-acid change (glutamic acid 535 retained).
Molecular consequence: synonymous variant.
Genome position (GRCh38, 1-based): chr13:51,968,546, C>T on the plus strand (G>A on the coding strand, the complement: ATP7B is on the minus strand). VCF-style: chr13-51968546-C-T. GRCh37 (hg19) VCF-style: chr13-52542682-C-T.
Other names: c.1605G>A, p.Glu535= (NM_001005918.3, NM_001330578.2, NM_001330579.2); c.1272G>A, p.Glu424= (NM_001243182.2).
Identifiers: ClinVar variation 991747 (VCV000991747.10), dbSNP rs762567255, ClinGen allele CA6989292.